The following is an entry in ClinVar:

ClinVar aggregate classification (germline): Uncertain significance (1 of 4 stars; one submission).

Conditions:
Hereditary breast ovarian cancer syndrome. Also called: Hereditary breast and ovarian cancer syndrome; Hereditary breast and ovarian cancer syndrome (HBOC); BRCA1- and BRCA2-Associated Hereditary Breast and Ovarian Cancer; Hereditary breast and ovarian cancer; Breast and ovarian cancer; Hereditary breast and/or ovarian cancer syndrome. Identifiers: Orphanet 145, MedGen C0677776, MeSH D061325, MONDO:0003582. Disease mechanism: loss of function.

Submission:

Labcorp Genetics (formerly Invitae), Labcorp
Classification: Uncertain significance for Hereditary breast ovarian cancer syndrome. Last evaluated: 2025-01-23. Review status: criteria provided, single submitter. Criteria: Invitae Variant Classification Sherloc (09022015). Collection method: clinical testing. Allele origin: germline.
Comment: This sequence change replaces leucine, which is neutral and non-polar, with phenylalanine, which is neutral and non-polar, at codon 2962 of the BRCA2 protein (p.Leu2962Phe). This variant is not present in population databases (gnomAD no frequency). This variant has not been reported in the literature in individuals affected with BRCA2-related conditions. Invitae Evidence Modeling of protein sequence and biophysical properties (such as structural, functional, and spatial information, amino acid conservation, physicochemical variation, residue mobility, and thermodynamic stability) indicates that this missense variant is not expected to disrupt BRCA2 protein function with a negative predictive value of 95%. In summary, the available evidence is currently insufficient to determine the role of this variant in disease. Therefore, it has been classified as a Variant of Uncertain Significance.

NM_000059.4(BRCA2):c.8886A>T (p.Leu2962Phe)

Gene: BRCA2 (BRCA2 DNA repair associated; plus strand). Cytogenetic location: 13q13.1.
Variant type: single nucleotide variant.
Coding change: c.8886A>T on transcript NM_000059.4 (MANE Select); coding-DNA position 8886, A replaced by T.
Protein change: p.Leu2962Phe; replaces leucine 2962 with phenylalanine.
Molecular consequence: missense variant. On other transcripts: non-coding transcript variant (1).
Genome position (GRCh38, 1-based): chr13:32,379,448, A>T. VCF-style: chr13-32379448-A-T. GRCh37 (hg19) VCF-style: chr13-32953585-A-T.
Other names: c.8790A>T, p.Leu2930Phe (NM_001406719.1); c.8886A>T, p.Leu2962Phe (NM_001406720.1, NM_001432077.1); c.3954A>T, p.Leu1318Phe (NM_001406721.1); c.2469A>T, p.Leu823Phe (NM_001406722.1); short protein forms L2962F, L2930F, L1318F, L823F.
Identifiers: ClinVar variation 3636548 (VCV003636548.2).